The following is an entry in ClinVar:

NM_176812.5(CHMP4B):c.200A>G (p.Gln67Arg)

Gene: CHMP4B (charged multivesicular body protein 4B; plus strand). Cytogenetic location: 20q11.22.
Variant type: single nucleotide variant.
Coding change: c.200A>G on transcript NM_176812.5 (MANE Select); coding-DNA position 200, A replaced by G.
Protein change: p.Gln67Arg; replaces glutamine 67 with arginine.
Molecular consequence: missense variant.
Genome position (GRCh38, 1-based): chr20:33,848,476, A>G. VCF-style: chr20-33848476-A-G. GRCh37 (hg19) VCF-style: chr20-32436282-A-G.
Other names: short protein forms Q67R.
Identifiers: ClinVar variation 2841293 (VCV002841293.3), dbSNP rs2515543578, ClinGen allele CA408919981.
Genomic context (GRCh38, chr20:33,848,476, plus strand): 5'-ACCTCACCCTGTGCCGGGACTCTCTGAAACCCTGTTTTCTCCCTCACGCAGCGGCCCTCC[A>G]GGCACTGAAGCGTAAGAAGAGGTATGAGAAGCAGCTGGCGCAGATCGACGGCACATTATC-3'
Protein context (NP_789782.1, residues 57-77): HGTKNKRAAL[Gln67Arg]ALKRKKRYEK

ClinVar aggregate classification (germline): Likely pathogenic (1 of 4 stars; one submission).

Conditions:
Cataract 31 multiple types (CTRCT31). Also called: CATARACT 31, POSTERIOR POLAR. Identifiers: Orphanet 91492, MedGen C1854311, MONDO:0011547, OMIM 605387.

Submission:

Labcorp Genetics (formerly Invitae), Labcorp
Classification: Likely pathogenic for Cataract 31 multiple types. Last evaluated: 2023-04-11. Review status: criteria provided, single submitter. Criteria: Invitae Variant Classification Sherloc (09022015). Collection method: clinical testing. Allele origin: germline.
Comment: In summary, the currently available evidence indicates that the variant is pathogenic, but additional data are needed to prove that conclusively. Therefore, this variant has been classified as Likely Pathogenic. An algorithm developed to predict the effect of missense changes on protein structure and function (PolyPhen-2) suggests that this variant is likely to be tolerated. This missense change has been observed in individual(s) with clinical features of congenital cataracts (Invitae). In at least one individual the variant was observed to be de novo. This variant is not present in population databases (gnomAD no frequency). This sequence change replaces glutamine, which is neutral and polar, with arginine, which is basic and polar, at codon 67 of the CHMP4B protein (p.Gln67Arg).